The following is an entry in ClinVar:

NM_002382.5(MAX):c.425C>T (p.Ser142Leu)

Gene: MAX (MYC associated transcriptional regulator X; minus strand). Cytogenetic location: 14q23.3.
Variant type: single nucleotide variant.
Coding change: c.425C>T on transcript NM_002382.5 (MANE Select); coding-DNA position 425, C replaced by T.
Protein change: p.Ser142Leu; replaces serine 142 with leucine.
Molecular consequence: missense variant. On other transcripts: 3 prime UTR variant (1), intron variant (2).
Genome position (GRCh38, 1-based): chr14:65,076,534, G>A on the plus strand (C>T on the coding strand, the complement: MAX is on the minus strand). VCF-style: chr14-65076534-G-A. GRCh37 (hg19) VCF-style: chr14-65543252-G-A.
Other names: c.236C>T, p.Ser79Leu (NM_001320415.2, NM_001407105.1, NM_001407106.1 and 1 more transcripts); c.425C>T, p.Ser142Leu (NM_001407094.1); c.398C>T, p.Ser133Leu (NM_001407095.1, NM_145112.3); c.*198C>T (NM_001407096.1, NM_001407099.1, NM_001407102.1 and 2 more transcripts); c.*214C>T (NM_001407097.1, NM_001407100.1, NM_001407101.1 and 4 more transcripts); c.317C>T, p.Ser106Leu (NM_001407098.1); c.224C>T, p.Ser75Leu (NM_001407111.1, NM_001407112.1); c.144+17174C>T (NM_001271069.2); and 1 more; short protein forms S142L, S79L, S133L, S106L, S75L.
Identifiers: ClinVar variation 404109 (VCV000404109.18), dbSNP rs760147253, ClinGen allele CA7232790.
Genomic context (GRCh38, chr14:65,076,534, plus strand): 5'-GCTTAGCTGGCCTCCATCCGGAGCTTCTTCCTGCTTTGGGGCTCTTCAGGCTCAGACTCC[G>A]AGCTGGAGTCCGAGCCCCCATCGAAGGCAGAGATGGTGCTGCCCTTGGCGTTGGTGTAGA-3'
Protein context (NP_002373.3, residues 132-152): SAFDGGSDSS[Ser142Leu]ESEPEEPQSR

ClinVar aggregate classification (germline): Uncertain significance. Review status: criteria provided, multiple submitters, no conflicts (2 of 4 stars). 5 submissions from 5 submitters: Uncertain significance (5). Last evaluated 2026-01-07.

Conditions:
MAX-related disorder. Also called: MAX-related condition.
Hereditary cancer-predisposing syndrome. Also called: Neoplastic Syndromes, Hereditary; Tumor predisposition; Hereditary Cancer Syndrome; Hereditary neoplastic syndrome. Identifiers: Orphanet 140162, MedGen C0027672, MeSH D009386, MONDO:0015356.
Hereditary pheochromocytoma and paraganglioma. Also called: Hereditary Paraganglioma-Pheochromocytoma Syndromes; Hereditary paragangliomas and pheochromocytomas; Hereditary pheochromocytoma-paraganglioma. Identifiers: Orphanet 29072, MedGen C4274332, MONDO:0017366.
Pheochromocytoma. Also called: MAX-Related Hereditary Paraganglioma-Pheochromocytoma Syndrome. Identifiers: Orphanet 29072, MedGen C0031511, MONDO:0008233, OMIM 171300, HP:0002666.

Allele frequency attached by ClinVar (database versions not stated): gnomAD 0.00001; ExAC 0.00002; TOPMed 0.00002.
gnomAD v4.1: 63 of 1,613,886 alleles (0.0039%); highest among the groups gnomAD compares: Admixed American, 0.0067%; no homozygotes.

Submissions (5):

Labcorp Genetics (formerly Invitae), Labcorp
Classification: Uncertain significance for Hereditary pheochromocytoma and paraganglioma. Last evaluated: 2026-01-07. Review status: criteria provided, single submitter. Criteria: Invitae Variant Classification Sherloc (09022015). Collection method: clinical testing. Allele origin: germline.
Comment: This sequence change replaces serine, which is neutral and polar, with leucine, which is neutral and non-polar, at codon 142 of the MAX protein (p.Ser142Leu). This variant is present in population databases (rs760147253, gnomAD 0.01%). This missense change has been observed in individual(s) with pheochromocytomas and paragangliomas (PMID: 21685915, 23666964, 26269449, 37937776). ClinVar contains an entry for this variant (Variation ID: 404109). Invitae Evidence Modeling incorporating data from in vitro experimental studies (internal data) indicates that this missense variant is not expected to disrupt MAX function with a negative predictive value of 95%. Experimental studies have shown that this missense change does not substantially affect MAX function (PMID: 26070438). In summary, the available evidence is currently insufficient to determine the role of this variant in disease. Therefore, it has been classified as a Variant of Uncertain Significance.

Ambry Genetics
Classification: Uncertain significance for Hereditary cancer-predisposing syndrome. Last evaluated: 2025-05-20. Review status: criteria provided, single submitter. Criteria: Ambry Variant Classification Scheme 2023. Collection method: clinical testing. Allele origin: germline.
Comment: The p.S142L variant (also known as c.425C>T), located in coding exon 5 of the MAX gene, results from a C to T substitution at nucleotide position 425. The serine at codon 142 is replaced by leucine, an amino acid with dissimilar properties. This alteration has been reported in individuals diagnosed with pheochromocytoma (Comino-M&eacute;ndez I et al. Nat. Genet. 2011 Jun;43(7):663-7; Comino-M&eacute;ndez I et al. J. Mol. Med., 2015 Nov;93:1247-55; Rattenberry E et al. J. Clin. Endocrinol. Metab., 2013 Jul;98:E1248-56). This alteration has also been detected in a cohort of 1336 renal cell carcinoma participants (Yngvadottir B et al. Hum Mol Genet, 2022 Aug;31:3001-3011). One functional assay using a luciferase reporter assay showed luciferase levels of p.S142L similar to wild-type MAX; another functional assay studied the regulation of MYC by MAX and showed that p.S142L did not affect this regulation (Comino-M&eacute;ndez I et al. J. Mol. Med., 2015 Nov;93:1247-55). This amino acid position is highly conserved in available vertebrate species. In addition, this alteration is predicted to be tolerated by in silico analysis. Based on the available evidence, the clinical significance of this variant remains unclear.

Center for Genomic Medicine, Rigshospitalet, Copenhagen University Hospital
Classification: Uncertain significance. Last evaluated: 2025-03-04. Review status: criteria provided, single submitter. Criteria: ACMG Guidelines, 2015. Collection method: clinical testing. Allele origin: germline.

PreventionGenetics, part of Exact Sciences
Classification: Uncertain significance for MAX-related condition. Last evaluated: 2024-11-18. Review status: criteria provided, single submitter. Criteria: ACMG Guidelines, 2015. Collection method: clinical testing. Allele origin: germline.
Comment: The MAX c.425C>T variant is predicted to result in the amino acid substitution p.Ser142Leu. This variant was reported in individuals with Pheochromocytoma and paragangliomas (Comino-Méndez et al. 2011. PubMed ID: 21685915; Rattenberry et al. 2013. PubMed ID: 23666964; Jensson et al. 2023. PubMed ID: 37937776). Functional analysis suggests this amino acid change does not impact overall protein function (referred to as p.S133L on the NM_145112 transcript, Comino-Méndez et al. 2015. PubMed ID: 26070438). This variant is reported in 0.012% of alleles in individuals of Latino descent in gnomAD, and is interpreted as a variant of uncertain significance in ClinVar. At this time, the clinical significance of this variant is uncertain due to the absence of conclusive functional and genetic evidence.

Baylor Genetics
Classification: Uncertain significance for Pheochromocytoma. Last evaluated: 2023-07-10. Review status: criteria provided, single submitter. Criteria: ACMG Guidelines, 2015. Collection method: clinical testing. Allele origin: unknown.

Literature cited by the submitters: PubMed 21685915 (cited by Labcorp Genetics (formerly Invitae), Labcorp); PubMed 23666964 (cited by Labcorp Genetics (formerly Invitae), Labcorp and Ambry Genetics); PubMed 26269449 (cited by Labcorp Genetics (formerly Invitae), Labcorp); PubMed 37937776 (cited by Labcorp Genetics (formerly Invitae), Labcorp); PubMed 26070438 (cited by Labcorp Genetics (formerly Invitae), Labcorp and Ambry Genetics); PubMed 28552549 (cited by Ambry Genetics); PubMed 35441217 (cited by Ambry Genetics).